The following is an entry in ClinVar:

NM_001372044.2(SHANK3):c.3197G>C (p.Gly1066Ala)

Gene: SHANK3 (SH3 and multiple ankyrin repeat domains 3; plus strand). Cytogenetic location: 22q13.33.
Variant type: single nucleotide variant.
Coding change: c.3197G>C on transcript NM_001372044.2 (MANE Select); coding-DNA position 3197, G replaced by C.
Protein change: p.Gly1066Ala; replaces glycine 1066 with alanine.
Molecular consequence: missense variant.
Genome position (GRCh38, 1-based): chr22:50,720,805, G>C. VCF-style: chr22-50720805-G-C. GRCh37 (hg19) VCF-style: chr22-51159233-G-C.
Other names: c.2972G>C, p.Gly991Ala (NM_033517.1); short protein forms G991A, G1066A.
Identifiers: ClinVar variation 1798301 (VCV001798301.2), dbSNP rs1348672059, ClinGen allele CA515260342.

ClinVar aggregate classification (germline): Uncertain significance (1 of 4 stars; one submission).

Conditions:
Inborn genetic diseases. Identifiers: MedGen C0950123, MeSH D030342.

Allele frequency attached by ClinVar (database versions not stated): TOPMed 0.00002; gnomAD 0.00006.

Submission:

Ambry Genetics
Classification: Uncertain significance for Inborn genetic diseases. Last evaluated: 2018-04-12. Review status: criteria provided, single submitter. Criteria: Ambry Variant Classification Scheme 2023. Collection method: clinical testing. Allele origin: germline.
Comment: The p.G991A variant (also known as c.2972G>C), located in coding exon 21 of the SHANK3 gene, results from a G to C substitution at nucleotide position 2972. The glycine at codon 991 is replaced by alanine, an amino acid with similar properties. This amino acid position is not well conserved in available vertebrate species. Since supporting evidence is limited at this time, the clinical significance of this alteration remains unclear.